The following is an entry in ClinVar:

ClinVar aggregate classification (germline): Uncertain significance (1 of 4 stars; one submission).

Allele frequency attached by ClinVar (database versions not stated): gnomAD exomes below 0.00001.
gnomAD v4.1: 1 of 1,613,722 alleles (0.000062%); highest among the groups gnomAD compares: African/African-American, 0.0013%; no homozygotes.

Submission:

Ambry Genetics
Classification: Uncertain significance. Last evaluated: 2024-03-28. Review status: criteria provided, single submitter. Criteria: Ambry Variant Classification Scheme 2023. Collection method: clinical testing. Allele origin: germline.
Comment: The p.Q688H variant (also known as c.2064A>C), located in coding exon 13 of the RINT1 gene, results from an A to C substitution at nucleotide position 2064. The glutamine at codon 688 is replaced by histidine, an amino acid with highly similar properties. This amino acid position is conserved. In addition, this alteration is predicted to be tolerated by in silico analysis. Since supporting evidence is limited at this time, the clinical significance of this alteration remains unclear.

NM_021930.6(RINT1):c.2064A>C (p.Gln688His)

Genes: EFCAB10 (EF-hand calcium binding domain 10; minus strand), RINT1 (RAD50 interactor 1; plus strand). Cytogenetic location: 7q22.3.
Variant type: single nucleotide variant.
Coding change: c.2064A>C on transcript NM_021930.6 (MANE Select); coding-DNA position 2064, A replaced by C.
Protein change: p.Gln688His; replaces glutamine 688 with histidine.
Molecular consequence: missense variant. On other transcripts: 3 prime UTR variant (1), non-coding transcript variant (1), intron variant (2).
Genome position (GRCh38, 1-based): chr7:105,565,454, A>C. VCF-style: chr7-105565454-A-C. GRCh37 (hg19) VCF-style: chr7-105205901-A-C.
Other names: c.*95T>G (NM_001355530.2); c.1830A>C, p.Gln610His (NM_001346599.2); c.1041A>C, p.Gln347His (NM_001346600.2, NM_001346603.2); c.1140A>C, p.Gln380His (NM_001346601.2); c.360-7T>G (NM_001355531.2); c.384-7T>G (NM_001355526.2); short protein forms Q347H, Q688H, Q610H, Q380H.
Identifiers: ClinVar variation 1785266 (VCV001785266.2), dbSNP rs2485185057, ClinGen allele CA368815014.